The following is an entry in ClinVar:

ClinVar aggregate classification (germline): Uncertain significance (1 of 4 stars; one submission).

Submission:

Women's Health and Genetics/Laboratory Corporation of America, LabCorp
Classification: Uncertain significance. Last evaluated: 2026-03-12. Review status: criteria provided, single submitter. Criteria: LabCorp Variant Classification Summary - May 2015. Collection method: clinical testing. Allele origin: germline.
Comment: Variant summary: The variant involves the duplication of exons 1-3 in the NDUFA2 gene. A presumed nomenclature of c.(?_-48)_(*303_?)dup has been designated for the purposes of this classification. This duplication includes the entire coding sequence of the gene. As exact breakpoints are unknown, it may extend beyond the annotated region of the gene, to include other flanking genes. The variant was absent in 21694 control chromosomes. The available data on variant occurrences in the general population are insufficient to allow any conclusion about variant significance. To our knowledge, no occurrence of c.(?_-48)_(*303_?)dup in individuals affected with NDUFA2-related conditions and no experimental evidence demonstrating its impact on protein function have been reported. No submitters have cited clinical-significance assessments for this variant to ClinVar. Based on the evidence outlined above, the variant was classified as uncertain significance.

NC_000005.9:g.(?_140024869)_(140027216_?)dup

Genes: NDUFA2 (NADH:ubiquinone oxidoreductase subunit A2; minus strand), TMCO6 (transmembrane and coiled-coil domains 6; plus strand). Cytogenetic location: 5q31.3.
Variant type: Duplication.
Identifiers: ClinVar variation 4847279 (VCV004847279.1).